The following is an entry in ClinVar:

ClinVar aggregate classification (germline): Conflicting classifications of pathogenicity. Review status: criteria provided, conflicting classifications (1 of 4 stars). 2 submissions from 2 submitters: Likely pathogenic (1); Uncertain significance (1). Last evaluated 2024-10-16.

Conditions:
Hereditary cancer-predisposing syndrome. Also called: Neoplastic Syndromes, Hereditary; Hereditary neoplastic syndrome; Tumor predisposition; Hereditary Cancer Syndrome. Identifiers: Orphanet 140162, MedGen C0027672, MeSH D009386, MONDO:0015356.

Submissions (2):

Labcorp Genetics (formerly Invitae), Labcorp
Classification: Likely pathogenic for Hereditary cancer-predisposing syndrome. Last evaluated: 2024-10-16. Review status: criteria provided, single submitter. Criteria: Invitae Variant Classification Sherloc (09022015). Collection method: clinical testing. Allele origin: germline.
Comment: This sequence change creates a premature translational stop signal (p.Ile1267Asnfs*4) in the RAD50 gene. While this is not anticipated to result in nonsense mediated decay, it is expected to disrupt the last 46 amino acid(s) of the RAD50 protein. This variant is present in population databases (no rsID available, gnomAD 0.002%). This variant has not been reported in the literature in individuals affected with RAD50-related conditions. ClinVar contains an entry for this variant (Variation ID: 240242). Algorithms developed to predict the effect of sequence changes on RNA splicing suggest that this variant may disrupt the consensus splice site. This variant disrupts the ATPase-C domain, which is important for RAD50 ATPase activity (PMID: 10892749, 24894818). While functional studies have not been performed to directly test the effect of this variant on RAD50 protein function, this suggests that disruption of this region of the protein is causative of disease. In summary, the currently available evidence indicates that the variant is pathogenic, but additional data are needed to prove that conclusively. Therefore, this variant has been classified as Likely Pathogenic.

Ambry Genetics
Classification: Uncertain significance for Hereditary cancer-predisposing syndrome. Last evaluated: 2019-09-12. Review status: criteria provided, single submitter. Criteria: Ambry Variant Classification Scheme 2023. Collection method: clinical testing. Allele origin: germline.
Comment: The c.3799dupA variant, located in coding exon 25 of the RAD50 gene, results from a duplication of A at nucleotide position 3799, causing a translational frameshift with a predicted alternate stop codon (p.I1267Nfs*4). Frameshifts are typically deleterious in nature, however, this frameshift occurs at the 3' terminus of RAD50, is not expected to trigger nonsense-mediated mRNA decay, and impacts only the last 46 amino acids of the protein. The exact functional impact of these altered amino acids is unknown at this time. Since supporting evidence is limited at this time, the clinical significance of this alteration remains unclear.

Literature cited by the submitters: PubMed 10892749 (cited by Labcorp Genetics (formerly Invitae), Labcorp); PubMed 24894818 (cited by Labcorp Genetics (formerly Invitae), Labcorp).

NM_005732.4(RAD50):c.3799dup (p.Ile1267fs)

Genes: RAD50 (RAD50 double strand break repair protein; plus strand), TH2LCRR (T helper type 2 locus control region associated RNA; minus strand). Cytogenetic location: 5q31.1.
Variant type: Duplication.
Coding change: c.3799dup on transcript NM_005732.4 (MANE Select); coding-DNA position 3799, one base duplicated (A; older notation c.3799dupA).
Protein change: p.Ile1267fs; shifts the reading frame from isoleucine 1267.
Molecular consequence: frameshift variant. On other transcripts: non-coding transcript variant (1).
Genome position (GRCh38, 1-based): chr5:132,642,224, A duplicated; the last of 2 consecutive A bases (chr5:132,642,223-132,642,224); duplicating either gives the same sequence. VCF-style (leftmost placement, unchanged base first): chr5-132642222-T-TA. GRCh37 (hg19) VCF-style: chr5-131977914-T-TA.
Other names: c.3799dup (NM_005732.3); short protein forms I1267fs.
Identifiers: ClinVar variation 240242 (VCV000240242.13), dbSNP rs1554101324, ClinGen allele CA10582393.
Genomic context (GRCh38, chr5:132,642,222, plus strand): 5'-GAATATATTGTTGCAGGATAATAAAAAGTCGCTCACAGCAGCGTAACTTCCAGCTTCTGG[T>TA]AATCACTCATGATGAAGATTTTGTGGAGCTTTTAGGACGTTCTGAATATGTGGAGAAATT-3'